The following is an entry in ClinVar:

NM_005732.4(RAD50):c.3053dup (p.Gln1019fs)

Gene: RAD50 (RAD50 double strand break repair protein; plus strand). Cytogenetic location: 5q31.1.
Variant type: Duplication.
Coding change: c.3053dup on transcript NM_005732.4 (MANE Select); coding-DNA position 3053, one base duplicated (T; older notation c.3053dupT).
Protein change: p.Gln1019fs; shifts the reading frame from glutamine 1019.
Molecular consequence: frameshift variant.
Genome position (GRCh38, 1-based): chr5:132,616,019, T duplicated. VCF-style (leftmost placement, unchanged base first): chr5-132616018-C-CT. GRCh37 (hg19) VCF-style: chr5-131951710-C-CT.
Other names: short protein forms Q1019fs.
Identifiers: ClinVar variation 1458597 (VCV001458597.6), dbSNP rs2149852927, ClinGen allele CA2573138943.
Genomic context (GRCh38, chr5:132,616,018, plus strand): 5'-AGTAACTTGGTTATTTTTGTTAACTAATTTAATGTTTACCTTTAGATACAAGAAAGGTGG[C>CT]TACAAGATAACCTTACTTTAAGAAAAAGAAATGAGGAACTAAAAGAAGTTGAAGAAGAAA-3'

ClinVar aggregate classification (germline): Pathogenic (1 of 4 stars; one submission).

Conditions:
Hereditary cancer-predisposing syndrome. Also called: Neoplastic Syndromes, Hereditary; Hereditary Cancer Syndrome; Hereditary neoplastic syndrome; Tumor predisposition. Identifiers: Orphanet 140162, MedGen C0027672, MeSH D009386, MONDO:0015356.

Submission:

Labcorp Genetics (formerly Invitae), Labcorp
Classification: Pathogenic for Hereditary cancer-predisposing syndrome. Last evaluated: 2021-09-29. Review status: criteria provided, single submitter. Criteria: Invitae Variant Classification Sherloc (09022015). Collection method: clinical testing. Allele origin: germline.
Comment: For these reasons, this variant has been classified as Pathogenic. This variant has not been reported in the literature in individuals affected with RAD50-related conditions. This variant is not present in population databases (ExAC no frequency). This sequence change creates a premature translational stop signal (p.Gln1019Thrfs*3) in the RAD50 gene. It is expected to result in an absent or disrupted protein product. Loss-of-function variants in RAD50 are known to be pathogenic (PMID: 19409520).

Literature cited by the submitters: PubMed 19409520.